The following is an entry in ClinVar:

ClinVar aggregate classification (germline): Pathogenic/Likely pathogenic. Review status: criteria provided, multiple submitters, no conflicts (2 of 4 stars). 4 submissions from 4 submitters: Pathogenic (2); Likely pathogenic (2). Last evaluated 2025-09-26.

Conditions:
Hereditary cancer-predisposing syndrome. Also called: Hereditary neoplastic syndrome; Hereditary Cancer Syndrome; Neoplastic Syndromes, Hereditary; Tumor predisposition. Identifiers: Orphanet 140162, MedGen C0027672, MeSH D009386, MONDO:0015356.
Hereditary breast ovarian cancer syndrome. Also called: Hereditary breast and ovarian cancer syndrome; BRCA1- and BRCA2-Associated Hereditary Breast and Ovarian Cancer; Hereditary breast and/or ovarian cancer syndrome; Hereditary breast and ovarian cancer; Breast and ovarian cancer; Hereditary breast and ovarian cancer syndrome (HBOC). Identifiers: Orphanet 145, MedGen C0677776, MeSH D061325, MONDO:0003582. Disease mechanism: loss of function.
Breast-ovarian cancer, familial, susceptibility to, 2 (BROVCA2). Also called: BRCA2 Hereditary Breast and Ovarian Cancer. Identifiers: Orphanet 145, MedGen C2675520, MONDO:0012933, OMIM 612555. Disease mechanism: loss of function.

Submissions (4):

Labcorp Genetics (formerly Invitae), Labcorp
Classification: Pathogenic for Hereditary breast ovarian cancer syndrome. Last evaluated: 2025-09-26. Review status: criteria provided, single submitter. Criteria: Invitae Variant Classification Sherloc (09022015). Collection method: clinical testing. Allele origin: germline.
Comment: This sequence change affects a donor splice site in intron 7 of the BRCA2 gene. It is expected to disrupt RNA splicing. Variants that disrupt the donor or acceptor splice site typically lead to a loss of protein function (PMID: 16199547), and loss-of-function variants in BRCA2 are known to be pathogenic (PMID: 20104584). This variant is not present in population databases (gnomAD no frequency). Disruption of this splice site has been observed in individuals with breast cancer and Fanconi anemia (FA) (PMID: 15004464, 16825431, 27393621). ClinVar contains an entry for this variant (Variation ID: 422774). Algorithms developed to predict the effect of sequence changes on RNA splicing suggest that this variant may disrupt the consensus splice site. For these reasons, this variant has been classified as Pathogenic.

Neuberg Centre For Genomic Medicine, NCGM
Classification: Likely pathogenic for Breast-ovarian cancer, familial, susceptibility to, 2. Last evaluated: 2023-05-20. Review status: criteria provided, single submitter. Criteria: ACMG Guidelines, 2015. Collection method: clinical testing. Allele origin: germline. Inheritance: Autosomal dominant inheritance. Affected: yes.
Comment: The observed splice donor c.631+1G>C variant in BRCA2 gene has been reported previously in heterozygous state in individual(s) affected with Breast-ovarian cancer (Stella et al., 2022). This variant is absent in gnomAD Exomes. This variant has been reported to the ClinVar database as Likely Pathogenic / Pathogenic. The variant affects the GT donor splice site downstream of exon 7. The spliceAI tool predicts that this splice site variant is damaging. This variant is predicted to cause loss of normal protein function through protein truncation. Loss of function variants have been previously reported to be disease causing. For these reasons, this variant has been classified as Likely Pathogenic.

Ambry Genetics
Classification: Likely pathogenic for Hereditary cancer-predisposing syndrome. Last evaluated: 2022-12-09. Review status: criteria provided, single submitter. Criteria: Ambry Variant Classification Scheme 2023. Collection method: clinical testing. Allele origin: germline.
Comment: The c.631+1G>C intronic variant results from a G to C substitution one nucleotide after coding exon 6 of the BRCA2 gene. This nucleotide position is highly conserved in available vertebrate species. In silico splice site analysis predicts that this alteration will weaken the native splice donor site. Other canonical alterations at this donor site (c.631+1G>A, c.632+2T>G) have been identified in multiple individuals diagnosed with Fanconi anemia (Wagner JE et al. Blood. 2004 Apr;103:3226-9; Alter, BP et al. J. Med. Genet. 2007 Jan;44(1):1-9; Myers, K et al. Pediatr Blood Cancer 2012 Mar;58(3):462-5; Popp, H et al. Cytogenet Genome Res 2003 ;103(1-2):54-7), and have shown the ability to fully complement the growth defect in BRCA2-null mouse embryonic stem cells (Mesman RLS et al. Genet Med, 2020 08;22:1355-1365). Alterations that disrupt the canonical splice site are expected to cause aberrant splicing, resulting in an abnormal protein or a transcript that is subject to nonsense-mediated mRNA decay. However, because other canonical splice alterations have been identified in one or more individuals with Fanconi anemia this alteration may be hypomorphic and thus, carriers of this variant and their families may present with reduced risks, and not with the typical clinical characteristics of a high-risk pathogenic BRCA2 alteration. As risk estimates are unknown at this time, clinical correlation is advised.

GeneDx
Classification: Pathogenic. Last evaluated: 2016-11-30. Review status: criteria provided, single submitter. Criteria: GeneDx Variant Classification (06012015). Collection method: clinical testing. Allele origin: germline. Affected: yes.
Comment: This variant is denoted BRCA2 c.631+1G>C or IVS7+1G>C and consists of a G>C nucleotide substitution at the +1 position of intron 7 of the BRCA2 gene. Using alternate nomenclature, this variant would be defined as BRCA2 859+1G>C. This variant destroys a canonical splice donor site and is predicted to cause abnormal gene splicing, leading to either an abnormal message that is subject to nonsense-mediated mRNA decay or to an abnormal protein product. This variant has not, to our knowledge, been published in the literature. Based on the current evidence, we consider this variant to be pathogenic.

Literature cited by the submitters: PubMed 16199547 (cited by Labcorp Genetics (formerly Invitae), Labcorp); PubMed 20104584 (cited by Labcorp Genetics (formerly Invitae), Labcorp); PubMed 15004464 (cited by Labcorp Genetics (formerly Invitae), Labcorp and Ambry Genetics); PubMed 16825431 (cited by Labcorp Genetics (formerly Invitae), Labcorp and Ambry Genetics); PubMed 27393621 (cited by Labcorp Genetics (formerly Invitae), Labcorp); PubMed 15070707 (cited by Ambry Genetics); PubMed 21548014 (cited by Ambry Genetics).

NM_000059.4(BRCA2):c.631+1G>C

Gene: BRCA2 (BRCA2 DNA repair associated; plus strand). Cytogenetic location: 13q13.1.
Variant type: single nucleotide variant.
Coding change: c.631+1G>C on transcript NM_000059.4 (MANE Select); the canonical splice donor site of the intron after coding-DNA position 631, G replaced by C.
Molecular consequence: splice donor variant.
Genome position (GRCh38, 1-based): chr13:32,326,614, G>C. VCF-style: chr13-32326614-G-C. GRCh37 (hg19) VCF-style: chr13-32900751-G-C.
Other names: c.631+1G>C (NM_001406720.1, NM_001406719.1, NM_001406721.1); c.262+1G>C (NM_001406722.1).
Identifiers: ClinVar variation 422774 (VCV000422774.6), dbSNP rs81002897, ClinGen allele CA16619647.